The following is an entry in ClinVar:

NM_000384.3(APOB):c.7987A>T (p.Ile2663Phe)

Gene: APOB (apolipoprotein B; minus strand). Cytogenetic location: 2p24.1.
Variant type: single nucleotide variant.
Coding change: c.7987A>T on transcript NM_000384.3 (MANE Select); coding-DNA position 7987, A replaced by T.
Protein change: p.Ile2663Phe; replaces isoleucine 2663 with phenylalanine.
Molecular consequence: missense variant.
Genome position (GRCh38, 1-based): chr2:21,008,881, T>A on the plus strand (A>T on the coding strand, the complement: APOB is on the minus strand). VCF-style: chr2-21008881-T-A. GRCh37 (hg19) VCF-style: chr2-21231753-T-A.
Other names: short protein forms I2663F.
Identifiers: ClinVar variation 1761482 (VCV001761482.3), dbSNP rs972922476, ClinGen allele CA43501645.

ClinVar aggregate classification (germline): Uncertain significance (1 of 4 stars; one submission).

Conditions:
Cardiovascular phenotype. Identifiers: MedGen CN230736.

Allele frequency attached by ClinVar (database versions not stated): gnomAD exomes 0.00001; TOPMed 0.00001.
gnomAD v4.1: 11 of 1,614,026 alleles (0.00068%); highest among the groups gnomAD compares: Non-Finnish European, 0.00076%; no homozygotes.

Submission:

Ambry Genetics
Classification: Uncertain significance for Cardiovascular phenotype. Last evaluated: 2024-10-14. Review status: criteria provided, single submitter. Criteria: Ambry Variant Classification Scheme 2023. Collection method: clinical testing. Allele origin: germline.
Comment: The p.I2663F variant (also known as c.7987A>T), located in coding exon 26 of the APOB gene, results from an A to T substitution at nucleotide position 7987. The isoleucine at codon 2663 is replaced by phenylalanine, an amino acid with highly similar properties. This amino acid position is conserved. In addition, this alteration is predicted to be tolerated by in silico analysis. Since supporting evidence is limited at this time, the clinical significance of this alteration remains unclear.